The following is an entry in ClinVar:

NM_000264.5(PTCH1):c.2798C>G (p.Ala933Gly)

Gene: PTCH1 (patched 1; minus strand). Cytogenetic location: 9q22.32.
Variant type: single nucleotide variant.
Coding change: c.2798C>G on transcript NM_000264.5 (MANE Select); coding-DNA position 2798, C replaced by G.
Protein change: p.Ala933Gly; replaces alanine 933 with glycine.
Molecular consequence: missense variant. On other transcripts: non-coding transcript variant (1).
Genome position (GRCh38, 1-based): chr9:95,459,689, G>C on the plus strand (C>G on the coding strand, the complement: PTCH1 is on the minus strand). VCF-style: chr9-95459689-G-C. GRCh37 (hg19) VCF-style: chr9-98221971-G-C.
Other names: c.2600C>G, p.Ala867Gly (NM_001083602.3); c.2795C>G, p.Ala932Gly (NM_001083603.3); c.2345C>G, p.Ala782Gly (NM_001083604.3, NM_001083605.3, NM_001083606.3 and 1 more transcripts); c.2642C>G, p.Ala881Gly (NM_001354918.2); short protein forms A782G, A867G, A881G, A932G, A933G.
Identifiers: ClinVar variation 3427274 (VCV003427274.1).

ClinVar aggregate classification (germline): Uncertain significance (1 of 4 stars; one submission).

Conditions:
Hereditary cancer-predisposing syndrome. Also called: Neoplastic Syndromes, Hereditary; Tumor predisposition; Hereditary Cancer Syndrome; Hereditary neoplastic syndrome. Identifiers: Orphanet 140162, MedGen C0027672, MeSH D009386, MONDO:0015356.

Submission:

Ambry Genetics
Classification: Uncertain significance for Hereditary cancer-predisposing syndrome. Last evaluated: 2024-09-01. Review status: criteria provided, single submitter. Criteria: Ambry Variant Classification Scheme 2023. Collection method: clinical testing. Allele origin: germline.
Comment: The p.A933G variant (also known as c.2798C>G), located in coding exon 17 of the PTCH1 gene, results from a C to G substitution at nucleotide position 2798. The alanine at codon 933 is replaced by glycine, an amino acid with similar properties. This amino acid position is conserved. In addition, the in silico prediction for this alteration is inconclusive. Based on the available evidence, the clinical significance of this variant remains unclear.